The following is an entry in ClinVar:

ClinVar aggregate classification (germline): Uncertain significance. Review status: criteria provided, single submitter (1 of 4 stars). 2 submissions from 2 submitters: Uncertain significance (1). 1 of the submissions does not count toward it. Last evaluated 2024-04-10.

Conditions:
Hereditary cancer-predisposing syndrome. Also called: Tumor predisposition; Hereditary neoplastic syndrome; Hereditary Cancer Syndrome; Neoplastic Syndromes, Hereditary. Identifiers: Orphanet 140162, MedGen C0027672, MeSH D009386, MONDO:0015356.

gnomAD v4.1: 8 of 1,614,040 alleles (0.0005%); highest among the groups gnomAD compares: Non-Finnish European, 0.00068%; no homozygotes.

Submissions (2):

Ambry Genetics
Classification: Uncertain significance for Hereditary cancer-predisposing syndrome. Last evaluated: 2024-04-10. Review status: criteria provided, single submitter. Criteria: Ambry Variant Classification Scheme 2023. Collection method: clinical testing. Allele origin: germline.
Comment: The p.A2T variant (also known as c.4G>A), located in coding exon 1 of the FANCC gene, results from a G to A substitution at nucleotide position 4. The alanine at codon 2 is replaced by threonine, an amino acid with similar properties. This variant was also observed in 1/3251 individuals who met eligibility criteria for hereditary breast and ovarian cancer syndrome. This individual was diagnosed with breast cancer (Lerner-Ellis J et al. J Cancer Res Clin Oncol, 2021 Mar;147:871-879). This amino acid position is highly conserved in available vertebrate species. In addition, the in silico prediction for this alteration is inconclusive. Since supporting evidence is limited at this time, the clinical significance of this alteration remains unclear.

Department of Pathology and Laboratory Medicine, Sinai Health System
Classification: Uncertain significance. Review status: no assertion criteria provided. Collection method: clinical testing. Allele origin: unknown. Affected: yes. Study: The Canadian Open Genetics Repository (COGR). Not counted in ClinVar's aggregate classification.
Comment: The FANCC p.Ala2Thr variant was not identified in the literature nor was it identified in the dbSNP, ClinVar or LOVD 3.0 databases. The variant was not identified in the following control databases: the Exome Aggregation Consortium (August 8th 2016), or the Genome Aggregation Database (Feb 27, 2017). The p.Ala2 residue is conserved in mammals and computational analyses (PolyPhen-2, SIFT, AlignGVGD, BLOSUM, MutationTaster) provide inconsistent predictions regarding the impact to the protein; this information is not very predictive of pathogenicity. The variant occurs outside of the splicing consensus sequence and 1 of 4 in silico or computational prediction software programs (SpliceSiteFinder, MaxEntScan, NNSPLICE, GeneSplicer) predict a greater than 10% difference in splicing; this is not very predictive of pathogenicity. In summary, based on the above information the clinical significance of this variant cannot be determined with certainty at this time. This variant is classified as a variant of uncertain significance.

Literature cited by the submitters: PubMed 32885271 (cited by Ambry Genetics).

NM_000136.3(FANCC):c.4G>A (p.Ala2Thr)

Gene: FANCC (FA complementation group C; minus strand). Cytogenetic location: 9q22.32.
Variant type: single nucleotide variant.
Coding change: c.4G>A on transcript NM_000136.3 (MANE Select); coding-DNA position 4, G replaced by A.
Protein change: p.Ala2Thr; replaces alanine 2 with threonine.
Molecular consequence: missense variant.
Genome position (GRCh38, 1-based): chr9:95,249,288, C>T on the plus strand (G>A on the coding strand, the complement: FANCC is on the minus strand). VCF-style: chr9-95249288-C-T. GRCh37 (hg19) VCF-style: chr9-98011570-C-T.
Other names: c.4G>A, p.Ala2Thr (NM_001243743.2, NM_001243744.2); short protein forms A2T.
Identifiers: ClinVar variation 1049437 (VCV001049437.4), dbSNP rs2136102300, ClinGen allele CA374340545.